The following is an entry in ClinVar:

ClinVar aggregate classification (germline): Conflicting classifications of pathogenicity. Review status: criteria provided, conflicting classifications (1 of 4 stars). 2 submissions from 2 submitters: Uncertain significance (1); Benign (1). Last evaluated 2023-09-25.

Conditions:
Severe early-onset pulmonary alveolar proteinosis due to MARS deficiency. Also called: PULMONARY ALVEOLAR PROTEINOSIS, REUNION ISLAND; Interstitial lung and liver disease. Identifiers: Orphanet 440427, MedGen C4225400, MONDO:0014206, OMIM 615486.
Charcot-Marie-Tooth disease axonal type 2U. Also called: CHARCOT-MARIE-TOOTH NEUROPATHY, TYPE 2U; CHARCOT-MARIE-TOOTH DISEASE, AXONAL, AUTOSOMAL DOMINANT, TYPE 2U. Identifiers: Orphanet 397735, MedGen C4084821, MONDO:0014566, OMIM 616280.

Submissions (2):

Labcorp Genetics (formerly Invitae), Labcorp
Classification: Benign for Charcot-Marie-Tooth disease axonal type 2U; Severe early-onset pulmonary alveolar proteinosis due to MARS deficiency. Last evaluated: 2023-09-25. Review status: criteria provided, single submitter. Criteria: Invitae Variant Classification Sherloc (09022015). Collection method: clinical testing. Allele origin: germline.

Ambry Genetics
Classification: Uncertain significance. Last evaluated: 2021-02-24. Review status: criteria provided, single submitter. Criteria: Ambry Variant Classification Scheme 2023. Collection method: clinical testing. Allele origin: germline.
Comment: The c.2392-5dupT intronic variant results from a duplication of two nucleotides upstream from coding exon 19 of the MARS gene. This nucleotide position is poorly conserved in available vertebrate species. In silico splice site analysis predicts that this alteration will not have any significant effect on splicing. Based on the supporting evidence, this variant is unlikely to be causative of axonal Charcot-Marie-Tooth disease, type 2U (CMT2U); however, its contribution to the development of interstitial lung and liver disease is uncertain.

NM_004990.4(MARS1):c.2392-5dup

Gene: MARS1 (methionyl-tRNA synthetase 1; plus strand). Cytogenetic location: 12q13.3.
Variant type: Duplication.
Coding change: c.2392-5dup on transcript NM_004990.4 (MANE Select); 5 bases into the intron before coding-DNA position 2392, one base duplicated (T; older notation c.2392-5dupT).
Molecular consequence: intron variant.
Genome position (GRCh38, 1-based): chr12:57,515,915, T duplicated; the last of 7 consecutive T bases (chr12:57,515,909-57,515,915); duplicating any one gives the same sequence. VCF-style (leftmost placement, unchanged base first): chr12-57515908-C-CT. GRCh37 (hg19) VCF-style: chr12-57909691-C-CT.
Identifiers: ClinVar variation 1799748 (VCV001799748.5), dbSNP rs753118055, ClinGen allele CA6650804.